The following is an entry in ClinVar:

ClinVar aggregate classification (germline): Benign. Review status: criteria provided, multiple submitters, no conflicts (2 of 4 stars). 2 submissions from 2 submitters: Benign (2). Last evaluated 2018-01-13.

Conditions:
Charcot-Marie-Tooth disease type 1D. Also called: CHARCOT-MARIE-TOOTH NEUROPATHY, TYPE 1D; HEREDITARY MOTOR AND SENSORY NEUROPATHY 1D; HMSN ID; Charcot-Marie-Tooth disease, demyelinating, type 1d. Identifiers: Orphanet 101084, MedGen C1843247, MONDO:0011890, OMIM 607678.

Allele frequency attached by ClinVar (database versions not stated): gnomAD 0.05335 and 0.05529; TOPMed 0.05374; 1000 Genomes Project 0.07508; 1000 Genomes Project 30x 0.07292; gnomAD exomes 0.07570.

Submissions (2):

Illumina Laboratory Services, Illumina
Classification: Benign for Charcot-Marie-Tooth disease type 1D. Last evaluated: 2018-01-13. Review status: criteria provided, single submitter. Criteria: ICSL Variant Classification Criteria 13 December 2019. Collection method: clinical testing. Allele origin: germline.
Comment: This variant was observed in the ICSL laboratory as part of a predisposition screen in an ostensibly healthy population. It had not been previously curated by ICSL or reported in the Human Gene Mutation Database (HGMD: prior to June 1st, 2018), and was therefore a candidate for classification through an automated scoring system. Utilizing variant allele frequency, disease prevalence and penetrance estimates, and inheritance mode, an automated score was calculated to assess if this variant is too frequent to cause the disease. Based on the score and internal cut-off values, a variant classified as benign is not then subjected to further curation. The score for this variant resulted in a classification of benign for this disease.

Breakthrough Genomics
Classification: Benign. Review status: criteria provided, single submitter. Criteria: ACMG Guidelines, 2015. Collection method: not provided. Allele origin: germline. Inheritance: Autosomal recessive inheritance. Affected: yes.

NM_000399.5(EGR2):c.*874A>G

Gene: EGR2 (early growth response 2; minus strand). Cytogenetic location: 10q21.3.
Variant type: single nucleotide variant.
Coding change: c.*874A>G on transcript NM_000399.5 (MANE Select); 874 bases downstream of the stop codon, A replaced by G.
Molecular consequence: 3 prime UTR variant.
Genome position (GRCh38, 1-based): chr10:62,812,333, T>C on the plus strand (A>G on the coding strand, the complement: EGR2 is on the minus strand). VCF-style: chr10-62812333-T-C. GRCh37 (hg19) VCF-style: chr10-64572093-T-C.
Other names: c.*874A>G (NM_001136177.3, NM_001136178.2, NM_001136179.3 and 1 more transcripts).
Identifiers: ClinVar variation 300266 (VCV000300266.6), dbSNP rs61865882, ClinGen allele CA10631909.
Genomic context (GRCh38, chr10:62,812,333, plus strand): 5'-AGTGATTTTTTTTCTCCATAATAAGGCAACCCATTTACATGCAGACCTTGTAACATTGTC[T>C]ACATCACACAAGGCACCAAGGACACTTCCAACACAATTGCATGCATCCTAGTTTCAGAGA-3'